The following is an entry in ClinVar:

NM_006030.4(CACNA2D2):c.1189A>G (p.Met397Val)

Gene: CACNA2D2 (calcium voltage-gated channel auxiliary subunit alpha2delta 2; minus strand). Cytogenetic location: 3p21.31.
Variant type: single nucleotide variant.
Coding change: c.1189A>G on transcript NM_006030.4 (MANE Select); coding-DNA position 1189, A replaced by G.
Protein change: p.Met397Val; replaces methionine 397 with valine.
Molecular consequence: missense variant.
Genome position (GRCh38, 1-based): chr3:50,379,163, T>C on the plus strand (A>G on the coding strand, the complement: CACNA2D2 is on the minus strand). VCF-style: chr3-50379163-T-C. GRCh37 (hg19) VCF-style: chr3-50416594-T-C.
Other names: c.1189A>G, p.Met397Val (NM_001005505.3, NM_001174051.3); c.982A>G, p.Met328Val (NM_001291101.1); short protein forms M328V, M397V.
Identifiers: ClinVar variation 1005047 (VCV001005047.6), dbSNP rs142559701, ClinGen allele CA2418950.

ClinVar aggregate classification (germline): Uncertain significance (1 of 4 stars; one submission).

Conditions:
Early-infantile DEE. Also called: Ohtahara syndrome; Early infantile epileptic encephalopathy with suppression bursts; Early infantile epileptic encephalopathy. Identifiers: Orphanet 1934, MedGen C0393706, MONDO:0800491.

Allele frequency attached by ClinVar (database versions not stated): gnomAD exomes 0.00001 and 0.00002; ExAC 0.00002; TOPMed 0.00002; gnomAD 0.00003 and 0.00004; ESP Exome Variant Server 0.00008.
gnomAD v4.1: 23 of 1,613,866 alleles (0.0014%); highest among the groups gnomAD compares: Non-Finnish European, 0.0019%; no homozygotes.

Submission:

Labcorp Genetics (formerly Invitae), Labcorp
Classification: Uncertain significance for Early-infantile DEE. Last evaluated: 2022-10-18. Review status: criteria provided, single submitter. Criteria: Invitae Variant Classification Sherloc (09022015). Collection method: clinical testing. Allele origin: germline.
Comment: In summary, the available evidence is currently insufficient to determine the role of this variant in disease. Therefore, it has been classified as a Variant of Uncertain Significance. Algorithms developed to predict the effect of missense changes on protein structure and function (SIFT, PolyPhen-2, Align-GVGD) all suggest that this variant is likely to be tolerated. ClinVar contains an entry for this variant (Variation ID: 1005047). This variant has not been reported in the literature in individuals affected with CACNA2D2-related conditions. This variant is present in population databases (rs142559701, gnomAD 0.003%). This sequence change replaces methionine, which is neutral and non-polar, with valine, which is neutral and non-polar, at codon 397 of the CACNA2D2 protein (p.Met397Val).